The following is an entry in ClinVar:

ClinVar aggregate classification (germline): Uncertain significance (1 of 4 stars; one submission).

Conditions:
Peutz-Jeghers syndrome (PJS). Also called: Peutz-Jeghers polyposis; Periorificial lentiginosis syndrome; POLYPOSIS, HAMARTOMATOUS INTESTINAL; POLYPS-AND-SPOTS SYNDROME. Identifiers: Orphanet 2869, MedGen C0031269, MeSH D010580, MONDO:0008280, OMIM 175200.

Submission:

Labcorp Genetics (formerly Invitae), Labcorp
Classification: Uncertain significance for Peutz-Jeghers syndrome. Last evaluated: 2016-09-15. Review status: criteria provided, single submitter. Criteria: Invitae Variant Classification Sherloc (09022015). Collection method: clinical testing. Allele origin: germline.
Comment: This sequence change replaces alanine with valine at codon 225 of the STK11 protein (p.Ala225Val). The alanine residue is highly conserved and there is a small physicochemical difference between alanine and valine. While this variant is not present in population databases, the frequency information is unreliable, as metrics indicate poor data quality at this position in the ExAC database. This variant has not been reported in the literature in an individual with a STK11-related disease. Algorithms developed to predict the effect of missense changes on protein structure and function do not agree on the potential impact of this missense change (SIFT: "Tolerated"; PolyPhen-2: "Possibly Damaging"; Align-GVGD: "Class C0"). In summary, this variant is a rare missense change with uncertain impact on protein function. There is no indication that it causes disease, but the available evidence is currently insufficient to prove that conclusively. Therefore, it has been classified as a Variant of Uncertain Significance.

NM_000455.5(STK11):c.674C>T (p.Ala225Val)

Gene: STK11 (serine/threonine kinase 11; plus strand). Cytogenetic location: 19p13.3.
Variant type: single nucleotide variant.
Coding change: c.674C>T on transcript NM_000455.5 (MANE Select); coding-DNA position 674, C replaced by T.
Protein change: p.Ala225Val; replaces alanine 225 with valine.
Molecular consequence: missense variant.
Genome position (GRCh38, 1-based): chr19:1,220,657, C>T. VCF-style: chr19-1220657-C-T. GRCh37 (hg19) VCF-style: chr19-1220656-C-T.
Other names: short protein forms A225V.
Identifiers: ClinVar variation 403788 (VCV000403788.8), dbSNP rs1060499966, ClinGen allele CA16616227.
Genomic context (GRCh38, chr19:1,220,657, plus strand): 5'-CGGCGGACGACACCTGCCGGACCAGCCAGGGCTCCCCGGCTTTCCAGCCGCCCGAGATTG[C>T]CAACGGCCTGGACACCTTCTCCGGCTTCAAGGTGGACATCTGGTCGGCTGGGGTCACCCT-3'
Protein context (NP_000446.1, residues 215-235): GSPAFQPPEI[Ala225Val]NGLDTFSGFK